The following is an entry in ClinVar:

ClinVar aggregate classification (germline): Uncertain significance (1 of 4 stars; one submission).

Submission:

Ambry Genetics
Classification: Uncertain significance. Last evaluated: 2025-04-18. Review status: criteria provided, single submitter. Criteria: Ambry Variant Classification Scheme 2023. Collection method: clinical testing. Allele origin: germline.
Comment: The p.R527S variant (also known as c.1581G>C), located in coding exon 8 of the ATRIP gene, results from a G to C substitution at nucleotide position 1581. The arginine at codon 527 is replaced by serine, an amino acid with dissimilar properties. This amino acid position is conserved. In addition, this alteration is predicted to be tolerated by in silico analysis. Based on the available evidence, the clinical significance of this variant remains unclear.

NM_130384.3(ATRIP):c.1581G>C (p.Arg527Ser)

Genes: ATRIP (ATR interacting protein; plus strand), ATRIP-TREX1 (ATRIP-TREX1 readthrough; plus strand). Cytogenetic location: 3p21.31.
Variant type: single nucleotide variant.
Coding change: c.1581G>C on transcript NM_130384.3 (MANE Select); coding-DNA position 1581, G replaced by C.
Protein change: p.Arg527Ser; replaces arginine 527 with serine.
Molecular consequence: missense variant. On other transcripts: non-coding transcript variant (1).
Genome position (GRCh38, 1-based): chr3:48,460,635, G>C. VCF-style: chr3-48460635-G-C. GRCh37 (hg19) VCF-style: chr3-48502034-G-C.
Other names: c.1200G>C, p.Arg400Ser (NM_001271022.2); c.1302G>C, p.Arg434Ser (NM_001271023.2); c.1581G>C, p.Arg527Ser (NM_032166.4); short protein forms R400S, R527S, R434S.
Identifiers: ClinVar variation 3132118 (VCV003132118.2), dbSNP rs764282919, ClinGen allele CA2376227.